The following is an entry in ClinVar:

NM_000384.3(APOB):c.3881T>C (p.Leu1294Ser)

Gene: APOB (apolipoprotein B; minus strand). Cytogenetic location: 2p24.1.
Variant type: single nucleotide variant.
Coding change: c.3881T>C on transcript NM_000384.3 (MANE Select); coding-DNA position 3881, T replaced by C.
Protein change: p.Leu1294Ser; replaces leucine 1294 with serine.
Molecular consequence: missense variant.
Genome position (GRCh38, 1-based): chr2:21,013,495, A>G on the plus strand (T>C on the coding strand, the complement: APOB is on the minus strand). VCF-style: chr2-21013495-A-G. GRCh37 (hg19) VCF-style: chr2-21236367-A-G.
Other names: short protein forms L1294S.
Identifiers: ClinVar variation 334148 (VCV000334148.9), dbSNP rs886055589, ClinGen allele CA10613965.
Genomic context (GRCh38, chr2:21,013,495, plus strand): 5'-TCTAACATCTTTAGATCTCTGGAGGATTTGCCACCAAAAGGCAAAGGAATCTCAATTTTC[A>G]AACTGTTCTTGTTCAAGGTATATTTGACCCGGCCATCGCTGAAATGAACAACAAAGATAA-3'
Protein context (NP_000375.3, residues 1284-1304): RVKYTLNKNS[Leu1294Ser]KIEIPLPFGG

ClinVar aggregate classification (germline): Uncertain significance. Review status: criteria provided, multiple submitters, no conflicts (2 of 4 stars). 3 submissions from 2 submitters: Uncertain significance (3). Last evaluated 2026-07-07.

Conditions:
Familial hypobetalipoproteinemia 1. Also called: Hypobetalipoproteinemia, normotriglyceridemic; Acanthocytosis with hypobetalipoproteinemia; APOB-Related Familial Hypobetalipoproteinemia. Identifiers: MedGen C4551990, MONDO:0014252, OMIM 615558.
Cardiovascular phenotype. Identifiers: MedGen CN230736.
Hypercholesterolemia, autosomal dominant, type B (FHCL2). Also called: APOLIPOPROTEIN B-100, FAMILIAL DEFECTIVE; APOLIPOPROTEIN B-100, FAMILIAL LIGAND-DEFECTIVE; APOB-Related Familial Hypercholesterolemia, Autosomal Dominant; Familial Hypercholesterolemia Type B; Hyperlipoproteinemia Type IIb; Familial hypercholesterolemia 2. Identifiers: MedGen C1704417, MONDO:0007751, OMIM 144010.

Allele frequency attached by ClinVar (database versions not stated): gnomAD exomes below 0.00001 and 0.00001.

Submissions (3):

Ambry Genetics
Classification: Uncertain significance for Cardiovascular phenotype. Last evaluated: 2026-07-07. Review status: criteria provided, single submitter. Criteria: Ambry Variant Classification Scheme 2023. Collection method: clinical testing. Allele origin: germline.
Comment: The p.L1294S variant (also known as c.3881T>C), located in coding exon 25 of the APOB gene, results from a T to C substitution at nucleotide position 3881. The leucine at codon 1294 is replaced by serine, an amino acid with dissimilar properties. This amino acid position is conserved. In addition, this alteration is predicted to be tolerated by in silico analysis. Based on the available evidence, the clinical significance of this variant remains unclear.

Illumina Laboratory Services, Illumina
Classification: Uncertain significance for Hypercholesterolemia, autosomal dominant, type B. Last evaluated: 2018-01-13. Review status: criteria provided, single submitter. Criteria: ICSL Variant Classification Criteria 13 December 2019. Collection method: clinical testing. Allele origin: germline.

Illumina Laboratory Services, Illumina
Classification: Uncertain significance for Familial hypobetalipoproteinemia 1. Last evaluated: 2018-01-13. Review status: criteria provided, single submitter. Criteria: ICSL Variant Classification Criteria 13 December 2019. Collection method: clinical testing. Allele origin: germline.